The following is an entry in ClinVar:

ClinVar aggregate classification (germline): Uncertain significance. Review status: criteria provided, multiple submitters, no conflicts (2 of 4 stars). 2 submissions from 2 submitters: Uncertain significance (2). Last evaluated 2021-04-27.

Conditions:
Inborn genetic diseases. Identifiers: MedGen C0950123, MeSH D030342.
Neuropathy, hereditary sensory and autonomic, type 2A (HSAN2A). Also called: MORVAN DISEASE; NEUROPATHY, CONGENITAL SENSORY; NEUROPATHY, HEREDITARY SENSORY RADICULAR, AUTOSOMAL RECESSIVE; NEUROPATHY, HEREDITARY SENSORY, TYPE IIA; NEUROPATHY, PROGRESSIVE SENSORY, OF CHILDREN; WNK1-Related HSAN2 (HSAN2A). Identifiers: Orphanet 970, MedGen C2752089, MONDO:0024309, OMIM 201300.
Pseudohypoaldosteronism type 2C (PHA2C). Also called: Pseudohypoaldosteronism Type IIC. Identifiers: Orphanet 757, Orphanet 88940, MedGen C1840391, MONDO:0013778, OMIM 614492.

Allele frequency attached by ClinVar (database versions not stated): gnomAD exomes below 0.00001.
gnomAD v4.1: 3 of 1,614,194 alleles (0.00019%); highest among the groups gnomAD compares: Non-Finnish European, 0.00025%; no homozygotes.

Submissions (2):

Ambry Genetics
Classification: Uncertain significance for Inborn genetic diseases. Last evaluated: 2021-04-27. Review status: criteria provided, single submitter. Criteria: Ambry Variant Classification Scheme 2023. Collection method: clinical testing. Allele origin: germline.
Comment: The p.T2165N variant (also known as c.6494C>A), located in coding exon 24 of the WNK1 gene, results from a C to A substitution at nucleotide position 6494. The threonine at codon 2165 is replaced by asparagine, an amino acid with similar properties. This amino acid position is not well conserved in available vertebrate species. In addition, this alteration is predicted to be tolerated by in silico analysis. Since supporting evidence is limited at this time, the clinical significance of this alteration remains unclear.

Labcorp Genetics (formerly Invitae), Labcorp
Classification: Uncertain significance for Neuropathy, hereditary sensory and autonomic, type 2A; Pseudohypoaldosteronism type 2C. Last evaluated: 2020-01-22. Review status: criteria provided, single submitter. Criteria: Invitae Variant Classification Sherloc (09022015). Collection method: clinical testing. Allele origin: germline.
Comment: Algorithms developed to predict the effect of missense changes on protein structure and function are either unavailable or do not agree on the potential impact of this missense change (SIFT: "Tolerated"; PolyPhen-2: "Not Available"; Align-GVGD: "Class C0"). This variant has not been reported in the literature in individuals with WNK1-related conditions. This variant is not present in population databases (ExAC no frequency). This sequence change replaces threonine with asparagine at codon 2165 of the WNK1 protein (p.Thr2165Asn). The threonine residue is moderately conserved and there is a small physicochemical difference between threonine and asparagine. In summary, the available evidence is currently insufficient to determine the role of this variant in disease. Therefore, it has been classified as a Variant of Uncertain Significance.

NM_018979.4(WNK1):c.5738C>A (p.Thr1913Asn)

Gene: WNK1 (WNK lysine deficient protein kinase 1; plus strand). Cytogenetic location: 12p13.33.
Variant type: single nucleotide variant.
Coding change: c.5738C>A on transcript NM_018979.4 (MANE Select); coding-DNA position 5738, C replaced by A.
Protein change: p.Thr1913Asn; replaces threonine 1913 with asparagine.
Molecular consequence: missense variant.
Genome position (GRCh38, 1-based): chr12:896,225, C>A. VCF-style: chr12-896225-C-A. GRCh37 (hg19) VCF-style: chr12-1005391-C-A.
Other names: c.6518C>A, p.Thr2173Asn (NM_001184985.2); c.4994C>A, p.Thr1665Asn (NM_014823.3); c.6494C>A, p.Thr2165Asn (NM_213655.5); short protein forms T1913N, T1665N, T2165N, T2173N.
Identifiers: ClinVar variation 948025 (VCV000948025.11), dbSNP rs1592226509, ClinGen allele CA383334999.